The following is an entry in ClinVar:

ClinVar aggregate classification (germline): Uncertain significance (1 of 4 stars; one submission).

Conditions:
Autosomal dominant nonsyndromic hearing loss 1. Also called: KONIGSMARK SYNDROME; DEAFNESS, AUTOSOMAL DOMINANT 1, WITH OR WITHOUT THROMBOCYTOPENIA. Identifiers: Orphanet 90635, MedGen C1852282, MONDO:0007424, OMIM 124900.
Progressive microcephaly-seizures-cortical blindness-developmental delay syndrome. Also called: Seizures, cortical blindness, and microcephaly syndrome. Identifiers: Orphanet 477814, MedGen C5567650, MONDO:0014714, OMIM 616632.

Submission:

Labcorp Genetics (formerly Invitae), Labcorp
Classification: Uncertain significance for Progressive microcephaly-seizures-cortical blindness-developmental delay syndrome; Autosomal dominant nonsyndromic hearing loss 1. Last evaluated: 2024-05-02. Review status: criteria provided, single submitter. Criteria: Invitae Variant Classification Sherloc (09022015). Collection method: clinical testing. Allele origin: germline.
Comment: This sequence change replaces valine, which is neutral and non-polar, with methionine, which is neutral and non-polar, at codon 1198 of the DIAPH1 protein (p.Val1198Met). This variant is not present in population databases (gnomAD no frequency). This variant has not been reported in the literature in individuals affected with DIAPH1-related conditions. An algorithm developed to predict the effect of missense changes on protein structure and function (PolyPhen-2) suggests that this variant is likely to be disruptive. In summary, the available evidence is currently insufficient to determine the role of this variant in disease. Therefore, it has been classified as a Variant of Uncertain Significance.

NM_005219.5(DIAPH1):c.3592G>A (p.Val1198Met)

Gene: DIAPH1 (diaphanous related formin 1; minus strand). Cytogenetic location: 5q31.3.
Variant type: single nucleotide variant.
Coding change: c.3592G>A on transcript NM_005219.5 (MANE Select); coding-DNA position 3592, G replaced by A.
Protein change: p.Val1198Met; replaces valine 1198 with methionine.
Molecular consequence: missense variant.
Genome position (GRCh38, 1-based): chr5:141,524,212, C>T on the plus strand (G>A on the coding strand, the complement: DIAPH1 is on the minus strand). VCF-style: chr5-141524212-C-T. GRCh37 (hg19) VCF-style: chr5-140903779-C-T.
Other names: c.3565G>A, p.Val1189Met (NM_001079812.3); c.3592G>A, p.Val1198Met (NM_001314007.2); short protein forms V1189M, V1198M.
Identifiers: ClinVar variation 3756008 (VCV003756008.2).